The following is an entry in ClinVar:

ClinVar aggregate classification (germline): Uncertain significance (1 of 4 stars; one submission).

Conditions:
Familial focal epilepsy with variable foci (FPEVF). Identifiers: Orphanet 98820, MedGen C1858477, MONDO:0020310.

Allele frequency attached by ClinVar (database versions not stated): gnomAD exomes below 0.00001.

Submission:

Labcorp Genetics (formerly Invitae), Labcorp
Classification: Uncertain significance for Familial focal epilepsy with variable foci. Last evaluated: 2025-10-02. Review status: criteria provided, single submitter. Criteria: Invitae Variant Classification Sherloc (09022015). Collection method: clinical testing. Allele origin: germline.
Comment: This variant, c.3455_3457dup, results in the insertion of 1 amino acid(s) of the DEPDC5 protein (p.Gly1152_Tyr1153insCys), but otherwise preserves the integrity of the reading frame. This variant is not present in population databases (gnomAD no frequency). This variant has not been reported in the literature in individuals affected with DEPDC5-related conditions. ClinVar contains an entry for this variant (Variation ID: 1008897). Experimental studies and prediction algorithms are not available or were not evaluated, and the functional significance of this variant is currently unknown. In summary, the available evidence is currently insufficient to determine the role of this variant in disease. Therefore, it has been classified as a Variant of Uncertain Significance.

NM_001242896.3(DEPDC5):c.3455_3457dup (p.Gly1152_Tyr1153insCys)

Gene: DEPDC5 (DEP domain containing 5, GATOR1 subcomplex subunit; plus strand). Cytogenetic location: 22q12.3.
Variant type: Duplication.
Coding change: c.3455_3457dup on transcript NM_001242896.3 (MANE Select); coding-DNA positions 3455 to 3457, 3 bases duplicated (GCT; older notation c.3455_3457dupGCT).
Protein change: p.Gly1152_Tyr1153insCys.
Molecular consequence: inframe insertion. On other transcripts: non-coding transcript variant (5).
Genome position (GRCh38, 1-based): chr22:31,870,714-31,870,716, GCT duplicated. VCF-style (leftmost placement, unchanged base first): chr22-31870713-G-GGCT. GRCh37 (hg19) VCF-style: chr22-32266699-G-GGCT.
Other names: c.3428_3430dup, p.Gly1143_Tyr1144insCys (NM_001136029.4); c.3155_3157dup, p.Gly1052_Tyr1053insCys (NM_001242897.2); c.3389_3391dup, p.Gly1130_Tyr1131insCys (NM_001363852.2, NM_001364320.2); c.3221_3223dup, p.Gly1074_Tyr1075insCys (NM_001363854.2, NM_001364319.2); c.3455_3457dup, p.Gly1152_Tyr1153insCys (NM_001364318.2); c.3371_3373dup, p.Gly1124_Tyr1125insCys (NM_001369901.1, NM_001369902.1); c.3362_3364dup, p.Gly1121_Tyr1122insCys (NM_001369903.1, NM_014662.6).
Identifiers: ClinVar variation 1008897 (VCV001008897.8), dbSNP rs2092816876, ClinGen allele CA2401698697.